The following is an entry in ClinVar:

NM_003690.5(PRKRA):c.208G>A (p.Val70Ile)

Gene: PRKRA (protein activator of interferon induced protein kinase EIF2AK2; minus strand). Cytogenetic location: 2q31.2.
Variant type: single nucleotide variant.
Coding change: c.208G>A on transcript NM_003690.5 (MANE Select); coding-DNA position 208, G replaced by A.
Protein change: p.Val70Ile; replaces valine 70 with isoleucine.
Molecular consequence: missense variant. On other transcripts: 5 prime UTR variant (1).
Genome position (GRCh38, 1-based): chr2:178,450,269, C>T on the plus strand (G>A on the coding strand, the complement: PRKRA is on the minus strand). VCF-style: chr2-178450269-C-T. GRCh37 (hg19) VCF-style: chr2-179314996-C-T.
Other names: c.175G>A, p.Val59Ile (NM_001139517.2); c.133G>A, p.Val45Ile (NM_001139518.2); c.-242G>A (NM_001316362.2); short protein forms V45I, V59I, V70I.
Identifiers: ClinVar variation 3603063 (VCV003603063.1).

ClinVar aggregate classification (germline): Uncertain significance (1 of 4 stars; one submission).

gnomAD v4.1: 2 of 1,614,284 alleles (0.00012%); highest among the groups gnomAD compares: Non-Finnish European, 0.00017%; no homozygotes.

Submission:

GeneDx
Classification: Uncertain significance. Last evaluated: 2024-08-07. Review status: criteria provided, single submitter. Criteria: GeneDx Variant Classification Process June 2021. Collection method: clinical testing. Allele origin: germline. Affected: yes.
Comment: Not observed at significant frequency in large population cohorts (gnomAD); In silico analysis indicates that this missense variant does not alter protein structure/function; Has not been previously published as pathogenic or benign to our knowledge